The following is an entry in ClinVar:

NM_000465.4(BARD1):c.1568+6T>C

Gene: BARD1 (BRCA1 associated RING domain 1; minus strand). Cytogenetic location: 2q35.
Variant type: single nucleotide variant.
Coding change: c.1568+6T>C on transcript NM_000465.4 (MANE Select); 6 bases into the intron after coding-DNA position 1568, T replaced by C.
Molecular consequence: intron variant.
Genome position (GRCh38, 1-based): chr2:214,767,476, A>G on the plus strand (T>C on the coding strand, the complement: BARD1 is on the minus strand). VCF-style: chr2-214767476-A-G. GRCh37 (hg19) VCF-style: chr2-215632200-A-G.
Other names: c.159-14921T>C (NM_001282548.2); c.1511+6T>C (NM_001282543.2); c.216-14921T>C (NM_001282545.2); c.364+24821T>C (NM_001282549.2).
Identifiers: ClinVar variation 3900118 (VCV003900118.1).

ClinVar aggregate classification (germline): Uncertain significance (1 of 4 stars; one submission).

Submission:

GeneDx
Classification: Uncertain significance. Last evaluated: 2024-11-22. Review status: criteria provided, single submitter. Criteria: GeneDx Variant Classification Process June 2021. Collection method: clinical testing. Allele origin: germline. Affected: yes.
Comment: Not observed at significant frequency in large population cohorts (gnomAD); In silico analysis indicates that this variant does not alter splicing; Has not been previously published as pathogenic or benign to our knowledge